The following is an entry in ClinVar:

NM_000271.5(NPC1):c.36GCT[1] (p.Leu15del)

Gene: NPC1 (NPC intracellular cholesterol transporter 1; minus strand). Cytogenetic location: 18q11.2.
Variant type: Microsatellite.
Coding change: c.36GCT[1] on transcript NM_000271.5 (MANE Select); one copy of the 3-base unit GCT starting at c.36; the reference has two copies in a row; one copy, 3 bases deleted.
Protein change: p.Leu15del; deletes leucine 15.
Molecular consequence: inframe deletion.
Genome position (GRCh38, 1-based): chr18:23,586,303-23,586,305, AGC deleted on the plus strand (GCT on the coding strand, the reverse complement: NPC1 is on the minus strand); deleting any 3 consecutive bases within chr18:23,586,303-23,586,310 gives the same sequence; the position shown is the placement nearest the transcript's 3' end. VCF-style (leftmost placement, unchanged base first): chr18-23586302-TAGC-T. GRCh37 (hg19) VCF-style: chr18-21166266-TAGC-T.
Other names: short protein forms L15del.
Identifiers: ClinVar variation 2064347 (VCV002064347.4), dbSNP rs2511394824, ClinGen allele CA2580613284.

ClinVar aggregate classification (germline): Uncertain significance (1 of 4 stars; one submission).

Conditions:
Niemann-Pick disease, type C1. Also called: NEUROVISCERAL STORAGE DISEASE WITH VERTICAL SUPRANUCLEAR OPHTHALMOPLEGIA; NIEMANN-PICK DISEASE WITH CHOLESTEROL ESTERIFICATION BLOCK; NIEMANN-PICK DISEASE WITHOUT SPHINGOMYELINASE DEFICIENCY; NIEMANN-PICK DISEASE, CHRONIC NEURONOPATHIC FORM; NIEMANN-PICK DISEASE, VARIANT TYPE C1. Identifiers: Orphanet 646, MedGen C3179455, MONDO:0009757, OMIM 257220.

Submission:

Labcorp Genetics (formerly Invitae), Labcorp
Classification: Uncertain significance for Niemann-Pick disease, type C1. Last evaluated: 2022-07-19. Review status: criteria provided, single submitter. Criteria: Invitae Variant Classification Sherloc (09022015). Collection method: clinical testing. Allele origin: germline.
Comment: This variant, c.39_41del, results in the deletion of 1 amino acid(s) of the NPC1 protein (p.Leu15del), but otherwise preserves the integrity of the reading frame. This variant is not present in population databases (gnomAD no frequency). This variant has not been reported in the literature in individuals affected with NPC1-related conditions. Experimental studies and prediction algorithms are not available or were not evaluated, and the functional significance of this variant is currently unknown. In summary, the available evidence is currently insufficient to determine the role of this variant in disease. Therefore, it has been classified as a Variant of Uncertain Significance.